The following is an entry in ClinVar:

ClinVar aggregate classification (germline): Uncertain significance (1 of 4 stars; one submission).

gnomAD v4.1: 25 of 1,610,600 alleles (0.0016%); highest among the groups gnomAD compares: South Asian, 0.0077%; no homozygotes.

Submission:

Ambry Genetics
Classification: Uncertain significance. Last evaluated: 2024-12-15. Review status: criteria provided, single submitter. Criteria: Ambry Variant Classification Scheme 2023. Collection method: clinical testing. Allele origin: germline.
Comment: The p.T1867M variant (also known as c.5600C>T), located in coding exon 22 of the WNK2 gene, results from a C to T substitution at nucleotide position 5600. The threonine at codon 1867 is replaced by methionine, an amino acid with similar properties. This amino acid position is conserved. In addition, this alteration is predicted to be tolerated by in silico analysis. Based on the available evidence, the clinical significance of this variant remains unclear.

NM_006648.4(WNK2):c.5600C>T (p.Thr1867Met)

Gene: WNK2 (WNK lysine deficient protein kinase 2; plus strand). Cytogenetic location: 9q22.31.
Variant type: single nucleotide variant.
Coding change: c.5600C>T on transcript NM_006648.4 (MANE Select); coding-DNA position 5600, C replaced by T.
Protein change: p.Thr1867Met; replaces threonine 1867 with methionine.
Molecular consequence: missense variant.
Genome position (GRCh38, 1-based): chr9:93,293,065, C>T. VCF-style: chr9-93293065-C-T. GRCh37 (hg19) VCF-style: chr9-96055347-C-T.
Other names: c.5711C>T, p.Thr1904Met (NM_001282394.3); short protein forms T1867M, T1904M.
Identifiers: ClinVar variation 3470753 (VCV003470753.2).